The following is an entry in ClinVar:

NM_152564.5(VPS13B):c.2260T>G (p.Cys754Gly)

Gene: VPS13B (vacuolar protein sorting 13 homolog B; plus strand). Cytogenetic location: 8q22.2.
Variant type: single nucleotide variant.
Coding change: c.2260T>G on transcript NM_152564.5 (MANE Select); coding-DNA position 2260, T replaced by G.
Protein change: p.Cys754Gly; replaces cysteine 754 with glycine.
Molecular consequence: missense variant.
Genome position (GRCh38, 1-based): chr8:99,170,090, T>G. VCF-style: chr8-99170090-T-G. GRCh37 (hg19) VCF-style: chr8-100182318-T-G.
Other names: c.2260T>G, p.Cys754Gly (NM_015243.3, NM_017890.5); short protein forms C754G.
Identifiers: ClinVar variation 4749020 (VCV004749020.1).

ClinVar aggregate classification (germline): Uncertain significance (1 of 4 stars; one submission).

Conditions:
Cohen syndrome (COH1). Also called: PEPPER SYNDROME; Cutis verticis gyrata, retinitis pigmentosa, and sensorineural deafness. Identifiers: Orphanet 193, MedGen C0265223, MONDO:0008999, OMIM 216550.

Submission:

Labcorp Genetics (formerly Invitae), Labcorp
Classification: Uncertain significance for Cohen syndrome. Last evaluated: 2025-05-13. Review status: criteria provided, single submitter. Criteria: Invitae Variant Classification Sherloc (09022015). Collection method: clinical testing. Allele origin: germline.
Comment: This sequence change replaces cysteine, which is neutral and slightly polar, with glycine, which is neutral and non-polar, at codon 754 of the VPS13B protein (p.Cys754Gly). This variant is not present in population databases (gnomAD no frequency). This variant has not been reported in the literature in individuals affected with VPS13B-related conditions. Invitae Evidence Modeling of protein sequence and biophysical properties (such as structural, functional, and spatial information, amino acid conservation, physicochemical variation, residue mobility, and thermodynamic stability) indicates that this missense variant is not expected to disrupt VPS13B protein function with a negative predictive value of 80%. In summary, the available evidence is currently insufficient to determine the role of this variant in disease. Therefore, it has been classified as a Variant of Uncertain Significance.